The following is an entry in ClinVar:

ClinVar aggregate classification (germline): Uncertain significance (1 of 4 stars; one submission).

Conditions:
NBEA-related disorder. Also called: NBEA-related condition.

Submission:

PreventionGenetics, part of Exact Sciences
Classification: Uncertain significance for NBEA-related condition. Last evaluated: 2025-03-20. Review status: criteria provided, single submitter. Criteria: ACMG Guidelines, 2015. Collection method: clinical testing. Allele origin: germline.
Comment: The NBEA c.1437+1G>A variant is predicted to disrupt the GT donor site and interfere with normal splicing. To our knowledge, this variant has not been reported in the literature or in a large population database (gnomAD), indicating this variant is rare. Variants that disrupt the consensus splice donor site in NBEA are expected to be pathogenic. A limited number of splicing variants in this gene have been reported to date (Mulhern et al. 2018. PubMed ID: 30269351; Alkelai et al. 2022. PubMed ID: 34799694). Although we suspect that this variant may be pathogenic, at this time, the clinical significance of this variant is uncertain due to the absence of conclusive functional and genetic evidence.

NM_001385012.1(NBEA):c.1437+1G>A

Gene: NBEA (neurobeachin; plus strand). Cytogenetic location: 13q13.3.
Variant type: single nucleotide variant.
Coding change: c.1437+1G>A on transcript NM_001385012.1 (MANE Select); the canonical splice donor site of the intron after coding-DNA position 1437, G replaced by A.
Molecular consequence: splice donor variant.
Genome position (GRCh38, 1-based): chr13:35,070,106, G>A. VCF-style: chr13-35070106-G-A. GRCh37 (hg19) VCF-style: chr13-35644243-G-A.
Other names: c.1437+1G>A (NM_015678.5, NM_001379245.1).
Identifiers: ClinVar variation 5000539 (VCV005000539.1).
Genomic context (GRCh38, chr13:35,070,106, plus strand): 5'-TCATCACCAAAAGAGAATGCATCAATTTTTGTGCATTCCCCACATGCTCTAATGCTTCAG[G>A]TGGGTGAATCGTGGCTTTGTTTTCATGTTCTTGTCAGAATTTGACAGTATCTTTATTTTA-3'